The following is an entry in ClinVar:

NM_005515.4(MNX1):c.247_259dup (p.His87fs)

Gene: MNX1 (motor neuron and pancreas homeobox 1; minus strand). Cytogenetic location: 7q36.3.
Variant type: Duplication.
Coding change: c.247_259dup on transcript NM_005515.4 (MANE Select); coding-DNA positions 247 to 259, 13 bases duplicated (CTGCTGGCCGCGC).
Protein change: p.His87fs; shifts the reading frame from histidine 87.
Molecular consequence: frameshift variant.
Genome position (GRCh38, 1-based): chr7:157,010,092-157,010,104, GCGCGGCCAGCAG duplicated on the plus strand (CTGCTGGCCGCGC on the coding strand, the reverse complement: MNX1 is on the minus strand); duplicating any 13 consecutive bases within chr7:157,010,092-157,010,111 gives the same sequence; the c. name uses the placement nearest the transcript's 3' end. VCF-style (leftmost placement, unchanged base first): chr7-157010091-T-TGCGCGGCCAGCAG. GRCh37 (hg19) VCF-style: chr7-156802785-T-TGCGCGGCCAGCAG.
Other names: short protein forms H87fs.
Identifiers: ClinVar variation 3594475 (VCV003594475.2).
Genomic context (GRCh38, chr7:157,010,091, plus strand): 5'-CCCGTGCCGCCGCCGCCGCCGCCCGCGCCCAGGAAGCCCGGCTTGGGCAGCAGCGCGCAG[T>TGCGCGGCCAGCAG]GCGCGGCCAGCAGGCGCGGCGGCGACGGGCTCTCGGCGCGCAGGCGGTCGGCGGGCGCAG-3'

ClinVar aggregate classification (germline): Likely pathogenic. Review status: criteria provided, multiple submitters, no conflicts (2 of 4 stars). 2 submissions from 2 submitters: Likely pathogenic (2). Last evaluated 2024-01-01.

Conditions:
Currarino triad. Identifiers: Orphanet 1552, MedGen C1531773, MONDO:0008305, OMIM 176450.

Submissions (2):

Fulgent Genetics
Classification: Likely pathogenic for Currarino triad. Last evaluated: 2024-01-01. Review status: criteria provided, single submitter. Criteria: ACMG Guidelines, 2015. Collection method: clinical testing. Allele origin: germline.

Molecular Genetics Department, Kulakov National Medical Research Center for Obstetrics, Gynecology and Perinatology
Classification: Likely pathogenic for Currarino triad. Review status: criteria provided, single submitter. Criteria: ACMG Guidelines, 2015. Collection method: clinical testing. Allele origin: germline. Affected: yes. Observed: 1 variant allele.
Comment: A previously undescribed heterozygous nucleotide variant creates a frameshift p.His87ProfsTer143 in the MNX1 gene. Heterozygous variants, including loss-of-function variants, are reported in patients with Currarino syndrome, 176450. The variant is not present in population database (gnomAD no frequency). In summary, the currently available evidence indicates that the variant is pathogenic, but additional data are needed to prove that conclusively. Therefore, this variant has been classified as likely pathogenic.